The following is an entry in ClinVar:

NM_000414.4(HSD17B4):c.1660T>C (p.Ser554Pro)

Gene: HSD17B4 (hydroxysteroid 17-beta dehydrogenase 4; plus strand). Cytogenetic location: 5q23.1.
Variant type: single nucleotide variant.
Coding change: c.1660T>C on transcript NM_000414.4 (MANE Select); coding-DNA position 1660, T replaced by C.
Protein change: p.Ser554Pro; replaces serine 554 with proline.
Molecular consequence: missense variant. On other transcripts: non-coding transcript variant (2).
Genome position (GRCh38, 1-based): chr5:119,526,003, T>C. VCF-style: chr5-119526003-T-C. GRCh37 (hg19) VCF-style: chr5-118861698-T-C.
Other names: c.1735T>C, p.Ser579Pro (NM_001199291.3); c.1606T>C, p.Ser536Pro (NM_001199292.2); c.1588T>C, p.Ser530Pro (NM_001292027.2, NM_001374498.1); c.1240T>C, p.Ser414Pro (NM_001292028.2); c.1651T>C, p.Ser551Pro (NM_001374497.1); c.1333T>C, p.Ser445Pro (NM_001374499.1); c.1219T>C, p.Ser407Pro (NM_001374500.1); c.1249T>C, p.Ser417Pro (NM_001374501.1, NM_001374502.1, NM_001374503.1); short protein forms S414P, S417P, S407P, S445P, S530P, S579P, S536P, S551P.
Identifiers: ClinVar variation 944666 (VCV000944666.7), dbSNP rs199659543, ClinGen allele CA3382345.

ClinVar aggregate classification (germline): Uncertain significance. Review status: criteria provided, multiple submitters, no conflicts (2 of 4 stars). 5 submissions from 5 submitters: Uncertain significance (4). 1 of the submissions does not count toward it. Last evaluated 2026-05-11.

Conditions:
HSD17B4-related disorder. Also called: HSD17B4-related disorders; HSD17B4-related condition.
Perrault syndrome. Also called: Gonadal dysgenesis with auditory dysfunction, autosomal recessive inheritance. Identifiers: Orphanet 2855, MedGen C0685838, MONDO:0017312.
Bifunctional peroxisomal enzyme deficiency (DBIF). Also called: DBP DEFICIENCY; PBFE DEFICIENCY; D-bifunctional protein deficiency. Identifiers: Orphanet 300, MedGen C0342870, MONDO:0009855, OMIM 261515. Disease mechanism: loss of function.

Allele frequency attached by ClinVar (database versions not stated): ExAC 0.00003; gnomAD 0.00005; TOPMed 0.00007; gnomAD exomes 0.00010.
gnomAD v4.1: 52 of 1,594,746 alleles (0.0033%); highest among the groups gnomAD compares: Admixed American, 0.03%; no homozygotes.

Submissions (5):

PreventionGenetics, part of Exact Sciences
Classification: Uncertain significance for HSD17B4-related condition. Last evaluated: 2026-05-11. Review status: criteria provided, single submitter. Criteria: ACMG Guidelines, 2015. Collection method: clinical testing. Allele origin: germline.
Comment: The HSD17B4 c.1660T>C variant is predicted to result in the amino acid substitution p.Ser554Pro. To our knowledge, this variant has not been reported in the literature. This variant is reported in 0.041% of alleles in individuals of Latino descent in gnomAD. At this time, the clinical significance of this variant is uncertain due to the absence of conclusive functional and genetic evidence.

Women's Health and Genetics/Laboratory Corporation of America, LabCorp
Classification: Uncertain significance. Last evaluated: 2025-01-27. Review status: criteria provided, single submitter. Criteria: LabCorp Variant Classification Summary - May 2015. Collection method: clinical testing. Allele origin: germline.
Comment: Variant summary: HSD17B4 c.1660T>C (p.Ser554Pro) results in a non-conservative amino acid change in the encoded protein sequence. Three of five in-silico tools predict a benign effect of the variant on protein function. The variant allele was found at a frequency of 0.0001 in 251220 control chromosomes. This frequency is not significantly higher than estimated for a pathogenic variant in HSD17B4 causing D-Bifunctional Protein Deficiency (0.0001 vs 0.003), allowing no conclusion about variant significance. To our knowledge, no occurrence of c.1660T>C in individuals affected with D-Bifunctional Protein Deficiency and no experimental evidence demonstrating its impact on protein function have been reported. ClinVar contains an entry for this variant (Variation ID: 944666). Based on the evidence outlined above, the variant was classified as uncertain significance.

GeneDx
Classification: Uncertain significance. Last evaluated: 2024-07-09. Review status: criteria provided, single submitter. Criteria: GeneDx Variant Classification Process June 2021. Collection method: clinical testing. Allele origin: germline. Affected: yes.
Comment: In silico analysis supports that this missense variant has a deleterious effect on protein structure/function; Has not been previously published as pathogenic or benign to our knowledge

Labcorp Genetics (formerly Invitae), Labcorp
Classification: Uncertain significance for Perrault syndrome; Bifunctional peroxisomal enzyme deficiency. Last evaluated: 2022-08-15. Review status: criteria provided, single submitter. Criteria: Invitae Variant Classification Sherloc (09022015). Collection method: clinical testing. Allele origin: germline.
Comment: This sequence change replaces serine, which is neutral and polar, with proline, which is neutral and non-polar, at codon 554 of the HSD17B4 protein (p.Ser554Pro). This variant is present in population databases (rs199659543, gnomAD 0.04%). This variant has not been reported in the literature in individuals affected with HSD17B4-related conditions. ClinVar contains an entry for this variant (Variation ID: 944666). Advanced modeling of protein sequence and biophysical properties (such as structural, functional, and spatial information, amino acid conservation, physicochemical variation, residue mobility, and thermodynamic stability) performed at Invitae indicates that this missense variant is not expected to disrupt HSD17B4 protein function. In summary, the available evidence is currently insufficient to determine the role of this variant in disease. Therefore, it has been classified as a Variant of Uncertain Significance.

Natera, Inc.
Classification: Uncertain significance for Bifunctional peroxisomal enzyme deficiency. Last evaluated: 2020-01-24. Review status: no assertion criteria provided. Collection method: clinical testing. Allele origin: germline. Not counted in ClinVar's aggregate classification.